The following is an entry in ClinVar:

ClinVar aggregate classification (germline): Pathogenic/Likely pathogenic. Review status: criteria provided, multiple submitters, no conflicts (2 of 4 stars). 2 submissions from 2 submitters: Pathogenic (1); Likely pathogenic (1). Last evaluated 2025-06-25.

Conditions:
Hereditary cancer-predisposing syndrome. Also called: Neoplastic Syndromes, Hereditary; Hereditary Cancer Syndrome; Tumor predisposition; Hereditary neoplastic syndrome. Identifiers: Orphanet 140162, MedGen C0027672, MeSH D009386, MONDO:0015356.

Submissions (2):

GeneKor MSA
Classification: Likely pathogenic for Hereditary cancer-predisposing syndrome. Last evaluated: 2025-06-25. Review status: criteria provided, single submitter. Criteria: ACMG Guidelines, 2015. Collection method: clinical testing. Allele origin: germline. Affected: no.
Comment: This is a deletion of 4 nucleotides at nucleotide positions 7044 to 7047, replacing Cysteine with a Termination codon in the ATM gene - p.(Cys2349*). It is expected to result in an absent or non-functional protein product. Loss-of-function variants in ATM are known to be pathogenic (PMID:23807571, 25614872). This variant is not present in population databases (rs1555121066). The mutation database ClinVar contains an entry for this variant where it is listed as pathogenic (VCV000481267.7). Based on the classification criteria set by the ACMG and AMP (PMID:25741868) this variant has been classified as likely pathogenic.

Ambry Genetics
Classification: Pathogenic for Hereditary cancer-predisposing syndrome. Last evaluated: 2016-07-08. Review status: criteria provided, single submitter. Criteria: Ambry Variant Classification Scheme 2023. Collection method: clinical testing. Allele origin: germline.
Comment: The c.7044_7047delGTGC pathogenic mutation, located in coding exon 47 of the ATM gene, results from a deletion of 4 nucleotides at nucleotide positions 7044 to 7047, causing a translational frameshift with a predicted alternate stop codon. This alteration is expected to result in loss of function by premature protein truncation or nonsense-mediated mRNA decay. As such, this alteration is interpreted as a disease-causing mutation.

Literature cited by the submitters: PubMed 23807571 (cited by GeneKor MSA); PubMed 25614872 (cited by GeneKor MSA).

NM_000051.4(ATM):c.7044_7047del (p.Thr2348_Cys2349insTer)

Genes: ATM (ATM serine/threonine kinase; plus strand), C11orf65 (chromosome 11 open reading frame 65; minus strand). Cytogenetic location: 11q22.3.
Variant type: Deletion.
Coding change: c.7044_7047del on transcript NM_000051.4 (MANE Select); coding-DNA positions 7044 to 7047, 4 bases deleted (GTGC; older notation c.7044_7047delGTGC).
Protein change: p.Thr2348_Cys2349insTer.
Molecular consequence: frameshift variant. On other transcripts: intron variant (2).
Genome position (GRCh38, 1-based): chr11:108,327,713-108,327,716, GTGC deleted; deleting any 4 consecutive bases within chr11:108,327,712-108,327,716 gives the same sequence; the c. name uses the placement nearest the transcript's 3' end. VCF-style (leftmost placement, unchanged base first): chr11-108327711-ACGTG-A. GRCh37 (hg19) VCF-style: chr11-108198438-ACGTG-A.
Other names: c.7044_7047del, p.Thr2348_Cys2349insTer (NM_001351834.2); c.641-18644_641-18641del (NM_001330368.2); c.*38+7505_*38+7508del (NM_001351110.2).
Identifiers: ClinVar variation 481267 (VCV000481267.8), dbSNP rs1555121066, ClinGen allele CA658656287.